The following is an entry in ClinVar:

NM_002103.5(GYS1):c.114C>G (p.Asn38Lys)

Genes: GYS1 (glycogen synthase 1; minus strand), LOC130064895 (ATAC-STARR-seq lymphoblastoid active region 14922; plus strand). Cytogenetic location: 19q13.33.
Variant type: single nucleotide variant.
Coding change: c.114C>G on transcript NM_002103.5 (MANE Select); coding-DNA position 114, C replaced by G.
Protein change: p.Asn38Lys; replaces asparagine 38 with lysine.
Molecular consequence: missense variant. On other transcripts: non-coding transcript variant (1).
Genome position (GRCh38, 1-based): chr19:48,992,999, G>C on the plus strand (C>G on the coding strand, the complement: GYS1 is on the minus strand). VCF-style: chr19-48992999-G-C. GRCh37 (hg19) VCF-style: chr19-49496256-G-C.
Other names: c.114C>G, p.Asn38Lys (NM_001161587.2); short protein forms N38K.
Identifiers: ClinVar variation 946451 (VCV000946451.7), dbSNP rs769788885, ClinGen allele CA9563463.

ClinVar aggregate classification (germline): Uncertain significance (1 of 4 stars; one submission).

Conditions:
Glycogen storage disease due to muscle and heart glycogen synthase deficiency. Also called: MUSCLE GLYCOGEN SYNTHASE DEFICIENCY; GSD 0b. Identifiers: Orphanet 137625, MedGen C1969054, MONDO:0012693, OMIM 611556.

Allele frequency attached by ClinVar (database versions not stated): gnomAD exomes below 0.00001; TOPMed below 0.00001; ExAC 0.00001.
gnomAD v4.1: 6 of 1,590,966 alleles (0.00038%); highest among the groups gnomAD compares: Non-Finnish European, 0.00052%; no homozygotes.

Submission:

Labcorp Genetics (formerly Invitae), Labcorp
Classification: Uncertain significance for Glycogen storage disease due to muscle and heart glycogen synthase deficiency. Last evaluated: 2022-07-26. Review status: criteria provided, single submitter. Criteria: Invitae Variant Classification Sherloc (09022015). Collection method: clinical testing. Allele origin: germline.
Comment: This sequence change replaces asparagine, which is neutral and polar, with lysine, which is basic and polar, at codon 38 of the GYS1 protein (p.Asn38Lys). This variant is present in population databases (rs769788885, gnomAD 0.0009%). This variant has not been reported in the literature in individuals affected with GYS1-related conditions. ClinVar contains an entry for this variant (Variation ID: 946451). Algorithms developed to predict the effect of missense changes on protein structure and function are either unavailable or do not agree on the potential impact of this missense change (SIFT: "Deleterious"; PolyPhen-2: "Benign"; Align-GVGD: "Class C0"). In summary, the available evidence is currently insufficient to determine the role of this variant in disease. Therefore, it has been classified as a Variant of Uncertain Significance.